The following is an entry in ClinVar:

ClinVar aggregate classification (germline): Likely pathogenic (1 of 4 stars; one submission).

Conditions:
Emery-Dreifuss muscular dystrophy 4, autosomal dominant (EDMD4). Also called: EMERY-DREIFUSS MUSCULAR DYSTROPHY 4 WITH VARIABLE FEATURES. Identifiers: Orphanet 261, MedGen C2751807, MONDO:0013071, OMIM 612998.
Autosomal recessive ataxia, Beauce type. Also called: Spinocerebellar ataxia, autosomal recessive 8; ATAXIA, RECESSIVE, OF BEAUCE; SYNE1 Deficiency; SYNE1-Related Autosomal Recessive Cerebellar Ataxia. Identifiers: Orphanet 88644, MedGen C1853116, MONDO:0012549, OMIM 610743.

Submission:

Labcorp Genetics (formerly Invitae), Labcorp
Classification: Likely pathogenic for Emery-Dreifuss muscular dystrophy 4, autosomal dominant; Autosomal recessive ataxia, Beauce type. Last evaluated: 2021-03-30. Review status: criteria provided, single submitter. Criteria: Invitae Variant Classification Sherloc (09022015). Collection method: clinical testing. Allele origin: germline.
Comment: This variant results in the deletion of part of exon 81 (c.15624_15704+69del) of the SYNE1 gene. It is expected to disrupt RNA splicing. Variants that disrupt the donor or acceptor splice site typically lead to a loss of protein function (PMID: 16199547), and loss-of-function variants in SYNE1 are known to be pathogenic (PMID: 19542096, 24319099, 27086870). This variant is not present in population databases (ExAC no frequency). This variant has not been reported in the literature in individuals with SYNE1-related conditions. Algorithms developed to predict the effect of sequence changes on RNA splicing suggest that this variant may disrupt the consensus splice site, but this prediction has not been confirmed by published transcriptional studies. In summary, the currently available evidence indicates that the variant is pathogenic, but additional data are needed to prove that conclusively. Therefore, this variant has been classified as Likely Pathogenic.

Literature cited by the submitters: PubMed 16199547; PubMed 19542096; PubMed 24319099; PubMed 27086870.

NM_182961.4(SYNE1):c.15837_15917+69del

Gene: SYNE1 (spectrin repeat containing nuclear envelope protein 1; minus strand). Cytogenetic location: 6q25.2.
Variant type: Deletion.
Coding change: c.15837_15917+69del on transcript NM_182961.4 (MANE Select); coding-DNA position 15837 through 69 bases into the intron after coding-DNA position 15917, 150 bases deleted.
Molecular consequence: splice donor variant.
Genome position (GRCh38, 1-based): chr6:152,323,409-152,323,558, 150 bases deleted. GRCh37 (hg19): chr6:152,644,547-152,644,696.
Other names: c.15624_15704+69del (NM_033071.5).
Identifiers: ClinVar variation 1510776 (VCV001510776.1), dbSNP rs2153937126, ClinGen allele CA2573140670.